The following is an entry in ClinVar:

ClinVar aggregate classification (germline): Uncertain significance (1 of 4 stars; one submission).

Allele frequency attached by ClinVar (database versions not stated): TOPMed below 0.00001; ExAC 0.00001; gnomAD 0.00001.
gnomAD v4.1: 3 of 1,613,544 alleles (0.00019%); highest among the groups gnomAD compares: South Asian, 0.0022%; no homozygotes.

Submission:

Labcorp Genetics (formerly Invitae), Labcorp
Classification: Uncertain significance. Last evaluated: 2024-05-29. Review status: criteria provided, single submitter. Criteria: Invitae Variant Classification Sherloc (09022015). Collection method: clinical testing. Allele origin: germline.
Comment: This sequence change replaces arginine, which is basic and polar, with tryptophan, which is neutral and slightly polar, at codon 144 of the TSPAN12 protein (p.Arg144Trp). This variant is present in population databases (rs758026917, gnomAD 0.003%). This variant has not been reported in the literature in individuals affected with TSPAN12-related conditions. Advanced modeling of protein sequence and biophysical properties (such as structural, functional, and spatial information, amino acid conservation, physicochemical variation, residue mobility, and thermodynamic stability) performed at Invitae indicates that this missense variant is not expected to disrupt TSPAN12 protein function with a negative predictive value of 80%. In summary, the available evidence is currently insufficient to determine the role of this variant in disease. Therefore, it has been classified as a Variant of Uncertain Significance.

NM_012338.4(TSPAN12):c.430C>T (p.Arg144Trp)

Gene: TSPAN12 (tetraspanin 12; minus strand). Cytogenetic location: 7q31.31.
Variant type: single nucleotide variant.
Coding change: c.430C>T on transcript NM_012338.4 (MANE Select); coding-DNA position 430, C replaced by T.
Protein change: p.Arg144Trp; replaces arginine 144 with tryptophan.
Molecular consequence: missense variant.
Genome position (GRCh38, 1-based): chr7:120,810,501, G>A on the plus strand (C>T on the coding strand, the complement: TSPAN12 is on the minus strand). VCF-style: chr7-120810501-G-A. GRCh37 (hg19) VCF-style: chr7-120450555-G-A.
Other names: short protein forms R144W.
Identifiers: ClinVar variation 2814756 (VCV002814756.3), dbSNP rs758026917, ClinGen allele CA4453894.
Genomic context (GRCh38, chr7:120,810,501, plus strand): 5'-CCTCAGAAATTGTAGCACTTACCTCTCTCTGAAAAAAATTCCAAGCATGAGTAAGCCACC[G>A]ATATCTAGGTAATCCATAATTTGTCATCCTGGCTTTCAAAGTGACCATATCTGACCATTG-3'
Protein context (NP_036470.1, residues 134-154): RMTNYGLPRY[Arg144Trp]WLTHAWNFFQ